The following is an entry in ClinVar:

ClinVar aggregate classification (germline): Benign/Likely benign. Review status: criteria provided, multiple submitters, no conflicts (2 of 4 stars). 14 submissions from 11 submitters: Benign (8); Likely benign (3). 3 of the submissions do not count toward it. Last evaluated 2026-02-04.

Conditions:
Dilated cardiomyopathy 1G (CMD1G). Identifiers: Orphanet 154, MedGen C1858763, MONDO:0011400, OMIM 604145.
Autosomal recessive limb-girdle muscular dystrophy type 2J (LGMDR10). Also called: Limb-girdle muscular dystrophy, type 2J; MUSCULAR DYSTROPHY, LIMB-GIRDLE, AUTOSOMAL RECESSIVE 10. Identifiers: Orphanet 140922, MedGen C1837342, MONDO:0012127, OMIM 608807.
Early-onset myopathy with fatal cardiomyopathy (CMYO5). Also called: Salih Myopathy; CONGENITAL MYOPATHY 5 WITH CARDIOMYOPATHY. Identifiers: Orphanet 289377, MedGen C2673677, MONDO:0012714, OMIM 611705. Disease mechanism: loss of function.
Myopathy, myofibrillar, 9, with early respiratory failure (MFM9). Also called: Hereditary myopathy with early respiratory failure; MYOPATHY, PROXIMAL, WITH EARLY RESPIRATORY MUSCLE INVOLVEMENT; Myopathy, distal, with early respiratory failure, autosomal dominant; EDSTROM MYOPATHY. Identifiers: Orphanet 178464, Orphanet 34521, MedGen C1863599, MONDO:0011362, OMIM 603689.
Tibial muscular dystrophy (TMD). Also called: UDD MYOPATHY; Tibial muscular dystrophy, tardive; Udd Distal Myopathy – Tibial Muscular Dystrophy. Identifiers: Orphanet 609, MedGen C1838244, MONDO:0010870, OMIM 600334.

Allele frequency attached by ClinVar (database versions not stated): gnomAD exomes 0.00024 and 0.00064; 1000 Genomes Project 0.00280; gnomAD 0.00315 and 0.00290; ESP Exome Variant Server 0.00258; ExAC 0.00079; TOPMed 0.00359; 1000 Genomes Project 30x 0.00281.
gnomAD v4.1: 798 of 1,594,110 alleles (0.05%); highest among the groups gnomAD compares: African/African-American, 0.94%; 5 homozygotes.

Submissions (14):

Labcorp Genetics (formerly Invitae), Labcorp
Classification: Benign for Dilated cardiomyopathy 1G; Autosomal recessive limb-girdle muscular dystrophy type 2J. Last evaluated: 2026-02-04. Review status: criteria provided, single submitter. Criteria: Invitae Variant Classification Sherloc (09022015). Collection method: clinical testing. Allele origin: germline.

Blueprint Genetics
Classification: Likely benign. Last evaluated: 2024-11-25. Review status: criteria provided, single submitter. Criteria: ACMG Guidelines, 2015. Collection method: clinical testing. Allele origin: germline.

Genome-Nilou Lab
Classification: Benign for Autosomal recessive limb-girdle muscular dystrophy type 2J. Last evaluated: 2021-09-10. Review status: criteria provided, single submitter. Criteria: ACMG Guidelines, 2015. Collection method: clinical testing. Allele origin: germline. Affected: no.

Genome-Nilou Lab
Classification: Benign for Myopathy, myofibrillar, 9, with early respiratory failure. Last evaluated: 2021-09-10. Review status: criteria provided, single submitter. Criteria: ACMG Guidelines, 2015. Collection method: clinical testing. Allele origin: germline. Affected: no.

Genome-Nilou Lab
Classification: Benign for Early-onset myopathy with fatal cardiomyopathy. Last evaluated: 2021-09-10. Review status: criteria provided, single submitter. Criteria: ACMG Guidelines, 2015. Collection method: clinical testing. Allele origin: germline. Affected: no.

Genome-Nilou Lab
Classification: Benign for Tibial muscular dystrophy. Last evaluated: 2021-09-10. Review status: criteria provided, single submitter. Criteria: ACMG Guidelines, 2015. Collection method: clinical testing. Allele origin: germline. Affected: no.

Women's Health and Genetics/Laboratory Corporation of America, LabCorp
Classification: Benign. Last evaluated: 2021-07-19. Review status: criteria provided, single submitter. Criteria: LabCorp Variant Classification Summary - May 2015. Collection method: clinical testing. Allele origin: germline.
Comment: Variant summary: TTN c.22189+20G>A alters a non-conserved nucleotide located close to a canonical splice site and therefore could affect mRNA splicing, leading to a significantly altered protein sequence. 4/4 computational tools predict no significant impact on normal splicing. However, these predictions have yet to be confirmed by functional studies. The variant allele was found at a frequency of 0.00064 in 237494 control chromosomes, predominantly at a frequency of 0.0093 within the African or African-American subpopulation in the gnomAD database, including 1 homozygote. The observed variant frequency within African or African-American control individuals in the gnomAD database is approximately 24-fold of the estimated maximal expected allele frequency for a pathogenic variant in TTN causing Dilated Cardiomyopathy phenotype (0.00039), strongly suggesting that the variant is a benign polymorphism found primarily in populations of African or African-American origin. To our knowledge, no occurrence of c.22189+20G>A in individuals affected with Dilated Cardiomyopathy and no experimental evidence demonstrating its impact on protein function have been reported. One clinical diagnostic laboratory has submitted clinical-significance assessments for this variant to ClinVar after 2014 without evidence for independent evaluation and classified the variant as likely benign. Based on the evidence outlined above, the variant was classified as benign.

ARUP Laboratories, Molecular Genetics and Genomics, ARUP Laboratories
Classification: Likely benign. Last evaluated: 2019-06-02. Review status: criteria provided, single submitter. Criteria: ARUP Molecular Germline Variant Investigation Process. Collection method: clinical testing. Allele origin: germline.

GeneDx
Classification: Benign. Last evaluated: 2014-05-07. Review status: criteria provided, single submitter. Criteria: GeneDx Variant Classification (06012015). Collection method: clinical testing. Allele origin: germline. Affected: yes.
Comment: This variant is considered likely benign or benign based on one or more of the following criteria: it is a conservative change, it occurs at a poorly conserved position in the protein, it is predicted to be benign by multiple in silico algorithms, and/or has population frequency not consistent with disease.

Breakthrough Genomics
Classification: Likely benign. Review status: criteria provided, single submitter. Criteria: ACMG Guidelines, 2015. Collection method: not provided. Allele origin: germline. Inheritance: Autosomal recessive inheritance. Affected: yes.

PreventionGenetics, part of Exact Sciences
Classification: Benign. Review status: criteria provided, single submitter. Criteria: ACMG Guidelines, 2015. Collection method: clinical testing. Allele origin: germline.

Clinical Genetics DNA and cytogenetics Diagnostics Lab, Erasmus MC, Erasmus Medical Center
Classification: Likely benign. Review status: no assertion criteria provided. Collection method: clinical testing. Allele origin: germline. Affected: yes. Study: VKGL Data-share Consensus. Not counted in ClinVar's aggregate classification.

Clinical Genetics, Academic Medical Center
Classification: Benign. Review status: no assertion criteria provided. Collection method: clinical testing. Allele origin: germline. Affected: yes. Study: VKGL Data-share Consensus. Not counted in ClinVar's aggregate classification.

Laboratory of Diagnostic Genome Analysis, Leiden University Medical Center (LUMC)
Classification: Likely benign. Review status: no assertion criteria provided. Collection method: clinical testing. Allele origin: germline. Affected: yes. Study: VKGL Data-share Consensus. Not counted in ClinVar's aggregate classification.

NM_001267550.2(TTN):c.25921+20G>A

Gene: TTN (titin; minus strand). Cytogenetic location: 2q31.2.
Variant type: single nucleotide variant.
Coding change: c.25921+20G>A on transcript NM_001267550.2 (MANE Select); 20 bases into the intron after coding-DNA position 25921, G replaced by A.
Molecular consequence: intron variant.
Genome position (GRCh38, 1-based): chr2:178,715,473, C>T on the plus strand (G>A on the coding strand, the complement: TTN is on the minus strand). VCF-style: chr2-178715473-C-T. GRCh37 (hg19) VCF-style: chr2-179580200-C-T.
Other names: c.13282+22609G>A (NM_003319.4); c.13858+22609G>A (NM_133437.4); c.13657+22609G>A (NM_133432.3); c.22189+20G>A (NM_133378.4); c.24970+20G>A (NM_001256850.1).
Identifiers: ClinVar variation 137845 (VCV000137845.26), dbSNP rs148460010, ClinGen allele CA291534.